The following is an entry in ClinVar:

NM_000484.4(APP):c.1754G>A (p.Arg585Lys)

Gene: APP (amyloid beta precursor protein; minus strand). Cytogenetic location: 21q21.3.
Variant type: single nucleotide variant.
Coding change: c.1754G>A on transcript NM_000484.4 (MANE Select); coding-DNA position 1754, G replaced by A.
Protein change: p.Arg585Lys; replaces arginine 585 with lysine.
Molecular consequence: missense variant.
Genome position (GRCh38, 1-based): chr21:25,911,896, C>T on the plus strand (G>A on the coding strand, the complement: APP is on the minus strand). VCF-style: chr21-25911896-C-T. GRCh37 (hg19) VCF-style: chr21-27284208-C-T.
Other names: c.1682G>A, p.Arg561Lys (NM_001136016.3); c.1361G>A, p.Arg454Lys (NM_001136129.3); c.1586G>A, p.Arg529Lys (NM_001136130.3, NM_001385253.1); c.1424G>A, p.Arg475Lys (NM_001136131.3); c.1754G>A, p.Arg585Lys (NM_001204301.2); c.1697G>A, p.Arg566Lys (NM_001204302.2, NM_201413.3); c.1529G>A, p.Arg510Lys (NM_001204303.2, NM_201414.3); short protein forms R454K, R510K, R566K, R585K, R475K, R529K, R561K.
Identifiers: ClinVar variation 1502417 (VCV001502417.7), dbSNP rs1265765015, ClinGen allele CA409807669.

ClinVar aggregate classification (germline): Uncertain significance. Review status: criteria provided, multiple submitters, no conflicts (2 of 4 stars). 2 submissions from 2 submitters: Uncertain significance (2). Last evaluated 2025-12-23.

Conditions:
Cerebral amyloid angiopathy, APP-related. Also called: AMYLOIDOSIS, CEREBROARTERIAL, APP-RELATED; Cerebral amyloid angiopathy, Dutch, Italian, Iowa, Flemish, Arctic variants. Identifiers: Orphanet 100006, Orphanet 324703, Orphanet 324708, Orphanet 324713, Orphanet 324718, Orphanet 324723, Orphanet 85458, MedGen C2751536, MONDO:0011583, OMIM 605714.
Alzheimer disease. Also called: Alzheimer's disease; Presenile and senile dementia. Identifiers: Orphanet 1020, MedGen C0002395, MeSH D000544, MONDO:0004975, HP:0002511.

Allele frequency attached by ClinVar (database versions not stated): gnomAD exomes below 0.00001; TOPMed 0.00001.

Submissions (2):

Labcorp Genetics (formerly Invitae), Labcorp
Classification: Uncertain significance for Alzheimer disease. Last evaluated: 2025-12-23. Review status: criteria provided, single submitter. Criteria: Invitae Variant Classification Sherloc (09022015). Collection method: clinical testing. Allele origin: germline.
Comment: This sequence change replaces arginine, which is basic and polar, with lysine, which is basic and polar, at codon 585 of the APP protein (p.Arg585Lys). This variant is present in population databases (no rsID available, gnomAD 0.003%). This variant has not been reported in the literature in individuals affected with APP-related conditions. ClinVar contains an entry for this variant (Variation ID: 1502417). Invitae Evidence Modeling of protein sequence and biophysical properties (such as structural, functional, and spatial information, amino acid conservation, physicochemical variation, residue mobility, and thermodynamic stability) has been performed for this missense variant. However, the output from this modeling did not meet the statistical confidence thresholds required to predict the impact of this variant on APP protein function. In summary, the available evidence is currently insufficient to determine the role of this variant in disease. Therefore, it has been classified as a Variant of Uncertain Significance.

Genomic Medicine Center of Excellence, King Faisal Specialist Hospital and Research Centre
Classification: Uncertain significance for Cerebral amyloid angiopathy, APP-related. Last evaluated: 2025-09-10. Review status: criteria provided, single submitter. Criteria: ACMG Guidelines, 2015. Collection method: clinical testing. Allele origin: germline.